The following is an entry in ClinVar:

NM_020822.3(KCNT1):c.2605C>G (p.Leu869Val)

Gene: KCNT1 (potassium sodium-activated channel subfamily T member 1; plus strand). Cytogenetic location: 9q34.3.
Variant type: single nucleotide variant.
Coding change: c.2605C>G on transcript NM_020822.3 (MANE Select); coding-DNA position 2605, C replaced by G.
Protein change: p.Leu869Val; replaces leucine 869 with valine.
Molecular consequence: missense variant.
Genome position (GRCh38, 1-based): chr9:135,778,698, C>G. VCF-style: chr9-135778698-C-G. GRCh37 (hg19) VCF-style: chr9-138670544-C-G.
Other names: c.2605C>G (NM_020822.2); c.2470C>G, p.Leu824Val (NM_001272003.2); short protein forms L869V, L824V.
Identifiers: ClinVar variation 593524 (VCV000593524.6), dbSNP rs1564382343, ClinGen allele CA375514145.
Genomic context (GRCh38, chr9:135,778,698, plus strand): 5'-GTGGGGAGTGGGCCGCATCCTCAGCCACGGGCCCTCGGTCCCGCCACCAGCCTGGACAGC[C>G]TGCTGCAGTGTGGCATCATCTATGCGGACAACCTGGTGGTGGTGGACAAGGAGAGCACCA-3'
Protein context (NP_065873.2, residues 859-879): MEGSVDNLDS[Leu869Val]LQCGIIYADN

ClinVar aggregate classification (germline): Uncertain significance. Review status: criteria provided, multiple submitters, no conflicts (2 of 4 stars). 2 submissions from 2 submitters: Uncertain significance (2). Last evaluated 2025-03-11.

Submissions (2):

GeneDx
Classification: Uncertain significance. Last evaluated: 2025-03-11. Review status: criteria provided, single submitter. Criteria: GeneDx Variant Classification Process June 2021. Collection method: clinical testing. Allele origin: germline. Affected: yes.
Comment: Not observed at significant frequency in large population cohorts (gnomAD); In silico analysis supports that this missense variant has a deleterious effect on protein structure/function; Has not been previously published as pathogenic or benign to our knowledge

Eurofins Ntd Llc (ga)
Classification: Uncertain significance. Last evaluated: 2017-08-24. Review status: criteria provided, single submitter. Criteria: EGL Classification Definitions 2015. Collection method: clinical testing. Allele origin: germline. Observed: 1 variant allele, 1 heterozygote.